The following is an entry in ClinVar:

ClinVar aggregate classification (germline): Uncertain significance (1 of 4 stars; one submission).

Allele frequency attached by ClinVar (database versions not stated): gnomAD exomes below 0.00001.

Submission:

Labcorp Genetics (formerly Invitae), Labcorp
Classification: Uncertain significance. Last evaluated: 2023-08-18. Review status: criteria provided, single submitter. Criteria: Invitae Variant Classification Sherloc (09022015). Collection method: clinical testing. Allele origin: germline.
Comment: This variant has not been reported in the literature in individuals affected with FOXI3-related conditions. This sequence change replaces leucine, which is neutral and non-polar, with proline, which is neutral and non-polar, at codon 132 of the FOXI3 protein (p.Leu132Pro). This variant is not present in population databases (gnomAD no frequency). Experimental studies and prediction algorithms are not available or were not evaluated, and the functional significance of this variant is currently unknown. In summary, the available evidence is currently insufficient to determine the role of this variant in disease. Therefore, it has been classified as a Variant of Uncertain Significance.

NM_001135649.3(FOXI3):c.395T>C (p.Leu132Pro)

Gene: FOXI3 (forkhead box I3; minus strand). Cytogenetic location: 2p11.2.
Variant type: single nucleotide variant.
Coding change: c.395T>C on transcript NM_001135649.3 (MANE Select); coding-DNA position 395, T replaced by C.
Protein change: p.Leu132Pro; replaces leucine 132 with proline.
Molecular consequence: missense variant.
Genome position (GRCh38, 1-based): chr2:88,452,141, A>G on the plus strand (T>C on the coding strand, the complement: FOXI3 is on the minus strand). VCF-style: chr2-88452141-A-G. GRCh37 (hg19) VCF-style: chr2-88751660-A-G.
Other names: short protein forms L132P.
Identifiers: ClinVar variation 2797273 (VCV002797273.3), dbSNP rs2528916663, ClinGen allele CA347766446.
Genomic context (GRCh38, chr2:88,452,141, plus strand): 5'-GCCGAATACGAGTAGGGCGGCCGCACCATCTTCATCAGGTCCTCGCGGCTGGCCATGGAC[A>G]GCCAGCCCAGCTCCCCGGGCCCCGCGGGCGCGGCGGGCGAGGCGGGCGCGGCGGGCGCGG-3'
Protein context (NP_001129121.1, residues 122-142): APAGPGELGW[Leu132Pro]SMASREDLMK